The following is an entry in ClinVar:

ClinVar aggregate classification (germline): Uncertain significance. Review status: criteria provided, multiple submitters, no conflicts (2 of 4 stars). 2 submissions from 2 submitters: Uncertain significance (2). Last evaluated 2025-12-10.

Conditions:
Inborn genetic diseases. Identifiers: MedGen C0950123, MeSH D030342.
Neuromuscular disease caused by qualitative or quantitative defects of dysferlin. Also called: Dysferlinopathy; Qualitative or quantitative defects of dysferlin. Identifiers: Orphanet 207073, MedGen C2931687, MONDO:0016145.

Submissions (2):

Ambry Genetics
Classification: Uncertain significance for Inborn genetic diseases. Last evaluated: 2025-12-10. Review status: criteria provided, single submitter. Criteria: Ambry Variant Classification Scheme 2023. Collection method: clinical testing. Allele origin: germline.

Labcorp Genetics (formerly Invitae), Labcorp
Classification: Uncertain significance for Neuromuscular disease caused by qualitative or quantitative defects of dysferlin. Last evaluated: 2022-06-20. Review status: criteria provided, single submitter. Criteria: Invitae Variant Classification Sherloc (09022015). Collection method: clinical testing. Allele origin: germline.
Comment: In summary, the available evidence is currently insufficient to determine the role of this variant in disease. Therefore, it has been classified as a Variant of Uncertain Significance. Advanced modeling of protein sequence and biophysical properties (such as structural, functional, and spatial information, amino acid conservation, physicochemical variation, residue mobility, and thermodynamic stability) performed at Invitae indicates that this missense variant is not expected to disrupt DYSF protein function. This sequence change replaces alanine, which is neutral and non-polar, with valine, which is neutral and non-polar, at codon 811 of the DYSF protein (p.Ala811Val). This variant is not present in population databases (gnomAD no frequency). This variant has not been reported in the literature in individuals affected with DYSF-related conditions. ClinVar contains an entry for this variant (Variation ID: 1016489).

NM_001130987.2(DYSF):c.2486C>T (p.Ala829Val)

Gene: DYSF (dysferlin; plus strand). Cytogenetic location: 2p13.2.
Variant type: single nucleotide variant.
Coding change: c.2486C>T on transcript NM_001130987.2 (MANE Select); coding-DNA position 2486, C replaced by T.
Protein change: p.Ala829Val; replaces alanine 829 with valine.
Molecular consequence: missense variant.
Genome position (GRCh38, 1-based): chr2:71,564,134, C>T. VCF-style: chr2-71564134-C-T. GRCh37 (hg19) VCF-style: chr2-71791264-C-T.
Other names: c.2435C>T, p.Ala812Val (NM_001130455.2, NM_001130983.2); c.2390C>T, p.Ala797Val (NM_001130976.2, NM_001130977.2); c.2432C>T, p.Ala811Val (NM_001130978.2, NM_003494.4); c.2525C>T, p.Ala842Val (NM_001130979.2); c.2483C>T, p.Ala828Val (NM_001130980.2, NM_001130981.2); c.2528C>T, p.Ala843Val (NM_001130982.2); c.2393C>T, p.Ala798Val (NM_001130984.2, NM_001130986.2); c.2486C>T, p.Ala829Val (NM_001130985.2); and 1 more; short protein forms A797V, A798V, A811V, A812V, A828V, A829V, A842V, A843V.
Identifiers: ClinVar variation 1016489 (VCV001016489.9), dbSNP rs2091948098, ClinGen allele CA347211400.
Genomic context (GRCh38, chr2:71,564,134, plus strand): 5'-CGGACATCGTCATCTGGATGCTGCAGGGAGACAAGCGTGTGGCATACCAGCGGGTGCCCG[C>T]CCACCAAGTCCTCTTCTCCCGGCGGGGTGCCAACTACTGTGGCAAGAATTGTGGGAAGCT-3'
Protein context (NP_001124459.1, residues 819-839): DKRVAYQRVP[Ala829Val]HQVLFSRRGA